The following is an entry in ClinVar:

NM_005431.2(XRCC2):c.591T>C (p.Thr197=)

Gene: XRCC2 (X-ray repair cross complementing 2; minus strand). Cytogenetic location: 7q36.1.
Variant type: single nucleotide variant.
Coding change: c.591T>C on transcript NM_005431.2 (MANE Select); coding-DNA position 591, T replaced by C.
Protein change: p.Thr197=; no amino-acid change (threonine 197 retained).
Molecular consequence: synonymous variant.
Genome position (GRCh38, 1-based): chr7:152,648,894, A>G on the plus strand (T>C on the coding strand, the complement: XRCC2 is on the minus strand). VCF-style: chr7-152648894-A-G. GRCh37 (hg19) VCF-style: chr7-152345979-A-G.
Identifiers: ClinVar variation 510451 (VCV000510451.3), dbSNP rs1252674838, ClinGen allele CA458895404.

ClinVar aggregate classification (germline): Likely benign. Review status: criteria provided, multiple submitters, no conflicts (2 of 4 stars). 2 submissions from 2 submitters: Likely benign (2). Last evaluated 2019-08-23.

Conditions:
Hereditary cancer-predisposing syndrome. Also called: Hereditary neoplastic syndrome; Hereditary Cancer Syndrome; Neoplastic Syndromes, Hereditary; Tumor predisposition. Identifiers: Orphanet 140162, MedGen C0027672, MeSH D009386, MONDO:0015356.

Allele frequency attached by ClinVar (database versions not stated): gnomAD exomes 0.00001; TOPMed 0.00001; gnomAD 0.00002.
gnomAD v4.1: 6 of 1,614,008 alleles (0.00037%); highest among the groups gnomAD compares: African/African-American, 0.0053%; no homozygotes.

Submissions (2):

Ambry Genetics
Classification: Likely benign for Hereditary cancer-predisposing syndrome. Last evaluated: 2019-08-23. Review status: criteria provided, single submitter. Criteria: Ambry Variant Classification Scheme 2023. Collection method: clinical testing. Allele origin: germline.

GeneDx
Classification: Likely benign. Last evaluated: 2017-06-22. Review status: criteria provided, single submitter. Criteria: GeneDx Variant Classification (06012015). Collection method: clinical testing. Allele origin: germline. Affected: yes.
Comment: This variant is considered likely benign or benign based on one or more of the following criteria: it is a conservative change, it occurs at a poorly conserved position in the protein, it is predicted to be benign by multiple in silico algorithms, and/or has population frequency not consistent with disease.